The following is an entry in ClinVar:

ClinVar aggregate classification (germline): Uncertain significance. Review status: criteria provided, multiple submitters, no conflicts (2 of 4 stars). 3 submissions from 3 submitters: Uncertain significance (3). Last evaluated 2024-12-16.

Conditions:
Fanconi anemia (FA). Also called: Fanconi's anemia. Identifiers: Orphanet 84, MedGen C0015625, MeSH D005199, MONDO:0019391.
Fanconi anemia complementation group I (FANCI). Also called: FANCI-Related Fanconi Anemia. Identifiers: Orphanet 84, MedGen C1836861, MONDO:0012186, OMIM 609053.

Allele frequency attached by ClinVar (database versions not stated): TOPMed below 0.00001; gnomAD 0.00001; ExAC 0.00003; gnomAD exomes 0.00003 and 0.00004; 1000 Genomes Project 30x 0.00016; 1000 Genomes Project 0.00020.
gnomAD v4.1: 45 of 1,611,934 alleles (0.0028%); highest among the groups gnomAD compares: Middle Eastern, 0.12%; 1 homozygote.

Submissions (3):

Labcorp Genetics (formerly Invitae), Labcorp
Classification: Uncertain significance for Fanconi anemia. Last evaluated: 2024-12-16. Review status: criteria provided, single submitter. Criteria: Invitae Variant Classification Sherloc (09022015). Collection method: clinical testing. Allele origin: germline.
Comment: This sequence change replaces proline, which is neutral and non-polar, with serine, which is neutral and polar, at codon 998 of the FANCI protein (p.Pro998Ser). This variant is present in population databases (rs182154506, gnomAD 0.01%). This variant has not been reported in the literature in individuals affected with FANCI-related conditions. ClinVar contains an entry for this variant (Variation ID: 526330). Invitae Evidence Modeling of protein sequence and biophysical properties (such as structural, functional, and spatial information, amino acid conservation, physicochemical variation, residue mobility, and thermodynamic stability) indicates that this missense variant is not expected to disrupt FANCI protein function with a negative predictive value of 80%. In summary, the available evidence is currently insufficient to determine the role of this variant in disease. Therefore, it has been classified as a Variant of Uncertain Significance.

Fulgent Genetics
Classification: Uncertain significance for Fanconi anemia complementation group I. Last evaluated: 2018-10-31. Review status: criteria provided, single submitter. Criteria: ACMG Guidelines, 2015. Collection method: clinical testing. Allele origin: unknown.

Breakthrough Genomics
Classification: Uncertain significance. Review status: criteria provided, single submitter. Criteria: ACMG Guidelines, 2015. Collection method: not provided. Allele origin: germline. Inheritance: Autosomal recessive inheritance. Affected: yes.

NM_001113378.2(FANCI):c.2992C>T (p.Pro998Ser)

Gene: FANCI (FA complementation group I; plus strand). Cytogenetic location: 15q26.1.
Variant type: single nucleotide variant.
Coding change: c.2992C>T on transcript NM_001113378.2 (MANE Select); coding-DNA position 2992, C replaced by T.
Protein change: p.Pro998Ser; replaces proline 998 with serine.
Molecular consequence: missense variant.
Genome position (GRCh38, 1-based): chr15:89,301,428, C>T. VCF-style: chr15-89301428-C-T. GRCh37 (hg19) VCF-style: chr15-89844659-C-T.
Other names: c.2713C>T, p.Pro905Ser (NM_001376910.1); c.2992C>T, p.Pro998Ser (NM_001376911.1); c.2812C>T, p.Pro938Ser (NM_018193.3); short protein forms P998S, P938S, P905S.
Identifiers: ClinVar variation 526330 (VCV000526330.8), dbSNP rs182154506, ClinGen allele CA7723534.